The following is an entry in ClinVar:

ClinVar aggregate classification (germline): Conflicting classifications of pathogenicity. Review status: criteria provided, conflicting classifications (1 of 4 stars). 2 submissions from 2 submitters: Uncertain significance (1); Benign (1). Last evaluated 2018-01-13.

Conditions:
Maturity-onset diabetes of the young (MODY). Also called: Maturity onset diabetes mellitus in young. Identifiers: Orphanet 552, MedGen C0342276, MONDO:0018911, HP:0004904.
Maturity-onset diabetes of the young type 3. Also called: MODY type 3; MODY, type III. Identifiers: Orphanet 552, MedGen C1838100, MeSH C563933, MONDO:0010894, OMIM 600496. Disease mechanism: loss of function.

Submissions (2):

Illumina Laboratory Services, Illumina
Classification: Uncertain significance for Maturity-onset diabetes of the young type 3. Last evaluated: 2018-01-13. Review status: criteria provided, single submitter. Criteria: ICSL Variant Classification Criteria 13 December 2019. Collection method: clinical testing. Allele origin: germline.

Clinical Genomics, Uppaluri K&H Personalized Medicine Clinic
Classification: Benign for Maturity-onset diabetes of the young. Review status: criteria provided, single submitter. Criteria: K & H Uppaluri Personalized Medicine Clinic Variant Classification & Assertion Criteria_Updated V.1. Collection method: research. Allele origin: unknown. Inheritance: Autosomal dominant inheritance.
Comment: Mutations in HNF1A gene can predispose to MODY3. It is associated with both micro and macrovascular complications of diabetes, especially cardiovascular complications. Associated with glucosuria. May respond well to sulfonylureas. However, more evidence is required to confer the association of this particular variant rs1877471070 with MODY3.

Literature cited by the submitters: PubMed 31517624 (cited by Clinical Genomics, Uppaluri K&H Personalized Medicine Clinic); PubMed 32395877 (cited by Clinical Genomics, Uppaluri K&H Personalized Medicine Clinic); PubMed 35328643 (cited by Clinical Genomics, Uppaluri K&H Personalized Medicine Clinic); PubMed 35673428 (cited by Clinical Genomics, Uppaluri K&H Personalized Medicine Clinic).

NM_000545.8(HNF1A):c.*196G>A

Genes: C12orf43 (chromosome 12 open reading frame 43; minus strand), HNF1A (HNF1 homeobox A; plus strand). Cytogenetic location: 12q24.31.
Variant type: single nucleotide variant.
Coding change: c.*196G>A on transcript NM_000545.8 (MANE Select); 196 bases downstream of the stop codon, G replaced by A.
Molecular consequence: 3 prime UTR variant.
Genome position (GRCh38, 1-based): chr12:121,001,388, G>A. VCF-style: chr12-121001388-G-A. GRCh37 (hg19) VCF-style: chr12-121439191-G-A.
Other names: c.*2765C>T (NM_001286191.2, NM_001286196.2, NM_022895.3); c.*196G>A (NM_001306179.2, NM_001406915.1).
Identifiers: ClinVar variation 883302 (VCV000883302.5), dbSNP rs1877471070, ClinGen allele CA1139662935.